The following is an entry in ClinVar:

NM_201253.3(CRB1):c.2082C>A (p.Tyr694Ter)

Gene: CRB1 (crumbs cell polarity complex component 1; plus strand). Cytogenetic location: 1q31.3.
Variant type: single nucleotide variant.
Coding change: c.2082C>A on transcript NM_201253.3 (MANE Select); coding-DNA position 2082, C replaced by A.
Protein change: p.Tyr694Ter; replaces tyrosine 694 with a stop codon.
Molecular consequence: nonsense. On other transcripts: non-coding transcript variant (2).
Genome position (GRCh38, 1-based): chr1:197,421,910, C>A. VCF-style: chr1-197421910-C-A. GRCh37 (hg19) VCF-style: chr1-197391040-C-A.
Other names: c.1746C>A, p.Tyr582Ter (NM_001193640.2); c.1875C>A, p.Tyr625Ter (NM_001257965.2); c.2082C>A, p.Tyr694Ter (NM_001257966.2); short protein forms Y582*, Y694*, Y625*.
Identifiers: ClinVar variation 1440936 (VCV001440936.6), dbSNP rs2125472041, ClinGen allele CA344034059.
Genomic context (GRCh38, chr1:197,421,910, plus strand): 5'-TTGGTGTGAAAGCCAACCTTGTCAAAGCAGAGGACGCTGCATCAACTTGTGGCTGAGTTA[C>A]CAGTGTGACTGCCACAGGCCCTATGAAGGCCCCAACTGTCTGAGAGGTGAGAGAAAGCTG-3'

ClinVar aggregate classification (germline): Pathogenic (1 of 4 stars; one submission).

Conditions:
Retinitis pigmentosa 12 (RP12). Also called: RP WITH OR WITHOUT PPRPE; RP WITH OR WITHOUT PRESERVED PARAARTERIOLE RETINAL PIGMENT EPITHELIUM; RETINITIS PIGMENTOSA WITH OR WITHOUT PARAARTERIOLAR PRESERVATION OF RETINAL PIGMENT EPITHELIUM. Identifiers: Orphanet 791, MedGen C1838647, MONDO:0010818, OMIM 600105.
Leber congenital amaurosis 8 (LCA8). Identifiers: Orphanet 65, MedGen C3151202, MONDO:0013453, OMIM 613835.

Submission:

Labcorp Genetics (formerly Invitae), Labcorp
Classification: Pathogenic for Leber congenital amaurosis 8; Retinitis pigmentosa 12. Last evaluated: 2021-02-02. Review status: criteria provided, single submitter. Criteria: Invitae Variant Classification Sherloc (09022015). Collection method: clinical testing. Allele origin: germline.
Comment: This sequence change creates a premature translational stop signal (p.Tyr694*) in the CRB1 gene. It is expected to result in an absent or disrupted protein product. Loss-of-function variants in CRB1 are known to be pathogenic (PMID: 10508521, 22065545, 23379534, 25412400, 26957898, 28041643, 29391521). This variant is not present in population databases (ExAC no frequency). This variant has not been reported in the literature in individuals with CRB1-related conditions. For these reasons, this variant has been classified as Pathogenic.

Literature cited by the submitters: PubMed 10508521; PubMed 22065545; PubMed 23379534; PubMed 25412400; PubMed 26957898; PubMed 28041643; PubMed 29391521.